The following is an entry in ClinVar:

NM_001042492.3(NF1):c.3113+1G>C

Gene: NF1 (neurofibromin 1; plus strand). Cytogenetic location: 17q11.2.
Variant type: single nucleotide variant.
Coding change: c.3113+1G>C on transcript NM_001042492.3 (MANE Select); the canonical splice donor site of the intron after coding-DNA position 3113, G replaced by C.
Molecular consequence: splice donor variant.
Genome position (GRCh38, 1-based): chr17:31,230,383, G>C. VCF-style: chr17-31230383-G-C. GRCh37 (hg19) VCF-style: chr17-29557401-G-C.
Other names: c.3113+1G>C (NM_000267.4).
Identifiers: ClinVar variation 976156 (VCV000976156.15), dbSNP rs267606599, ClinGen allele CA398987762.

ClinVar aggregate classification (germline): Pathogenic. Review status: criteria provided, multiple submitters, no conflicts (2 of 4 stars). 7 submissions from 7 submitters: Pathogenic (5). 2 of the submissions do not count toward it. Last evaluated 2026-09-24.

Conditions:
Hereditary cancer-predisposing syndrome. Also called: Neoplastic Syndromes, Hereditary; Hereditary Cancer Syndrome; Hereditary neoplastic syndrome; Tumor predisposition. Identifiers: Orphanet 140162, MedGen C0027672, MeSH D009386, MONDO:0015356.
Cardiovascular phenotype. Identifiers: MedGen CN230736.
Neurofibromatosis, type 1 (NF1). Also called: VON RECKLINGHAUSEN DISEASE; Peripheral type neurofibromatosis; Neurofibromatosis, type I; NEUROFIBROMATOSIS, TYPE I, SOMATIC. Identifiers: Orphanet 636, MedGen C0027831, MONDO:0018975, OMIM 162200. Disease mechanism: loss of function.

gnomAD v4.1: 1 of 1,613,356 alleles (0.000062%); highest among the groups gnomAD compares: Non-Finnish European, 0.000085%; no homozygotes.

Submissions (7):

GeneDx
Classification: Pathogenic. Last evaluated: 2026-09-24. Review status: criteria provided, single submitter. Criteria: GeneDx Variant Classification Process June 2021. Collection method: clinical testing. Allele origin: germline.
Comment: Observed in individuals with suspected or clinically diagnosed neurofibromatosis type 1 (PMID: 29498099, 31730495); Canonical splice site variant predicted to result in an in-frame loss of the adjacent exon in a gene for which loss of function is a known mechanism of disease; Deletions involving coding exons of this gene are a known mechanism of disease (HGMD); Not observed at significant frequency in large population cohorts (gnomAD); Also known as IVS18+1G>C; This variant is associated with the following publications: (PMID: 19738042, 22155606, 31730495, 29498099, 2121369, 25486365, 37216690)

Labcorp Genetics (formerly Invitae), Labcorp
Classification: Pathogenic for Neurofibromatosis, type 1. Last evaluated: 2025-02-23. Review status: criteria provided, single submitter. Criteria: Invitae Variant Classification Sherloc (09022015). Collection method: clinical testing. Allele origin: germline.
Comment: This sequence change affects a donor splice site in intron 23 of the NF1 gene. It is expected to disrupt RNA splicing. Variants that disrupt the donor or acceptor splice site typically lead to a loss of protein function (PMID: 16199547), and loss-of-function variants in NF1 are known to be pathogenic (PMID: 10712197, 23913538). This variant is not present in population databases (gnomAD no frequency). Disruption of this splice site has been observed in individuals with neurofibromatosis type 1 (PMID: 7633431, 29498099). ClinVar contains an entry for this variant (Variation ID: 976156). Algorithms developed to predict the effect of sequence changes on RNA splicing suggest that this variant may disrupt the consensus splice site. For these reasons, this variant has been classified as Pathogenic.

Ambry Genetics
Classification: Pathogenic for Cardiovascular phenotype; Hereditary cancer-predisposing syndrome. Last evaluated: 2022-05-23. Review status: criteria provided, single submitter. Criteria: Ambry Variant Classification Scheme 2023. Collection method: clinical testing. Allele origin: germline.
Comment: The c.3113+1G>C intronic pathogenic mutation results from a G to C substitution one nucleotide after coding exon 23 of the NF1 gene. This mutation has been detected in multiple individuals who fulfilled diagnostic criteria for neurofibromatosis type 1 (Yoshida Y et al. J Dermatol, 2018 Mar;45:363-364; Assunto A et al. Orphanet J Rare Dis, 2019 11;14:261; Ambry internal data). In silico splice site analysis predicts that this alteration will weaken the native splice donor site. RNA studies have demonstrated that this alteration results in abnormal splicing in the set of samples tested (Ambry internal data). This variant is considered to be rare based on population cohorts in the Genome Aggregation Database (gnomAD). Based on the supporting evidence, this alteration is interpreted as a disease-causing mutation.

Genome-Nilou Lab
Classification: Pathogenic for Neurofibromatosis, type 1. Last evaluated: 2022-03-15. Review status: criteria provided, single submitter. Criteria: ACMG Guidelines, 2015. Collection method: clinical testing. Allele origin: germline. Affected: no.

Institute of Human Genetics, University of Leipzig Medical Center
Classification: Pathogenic for Neurofibromatosis, type 1. Last evaluated: 2018-11-06. Review status: criteria provided, single submitter. Criteria: ACMG Guidelines, 2015. Collection method: clinical testing. Allele origin: germline. Affected: yes. Observed: 1 variant allele.

Clinical Genetics DNA and cytogenetics Diagnostics Lab, Erasmus MC, Erasmus Medical Center
Classification: Pathogenic. Review status: no assertion criteria provided. Collection method: clinical testing. Allele origin: germline. Affected: yes. Study: VKGL Data-share Consensus. Not counted in ClinVar's aggregate classification.

Joint Genome Diagnostic Labs from Nijmegen and Maastricht, Radboudumc and MUMC+
Classification: Likely pathogenic. Review status: no assertion criteria provided. Collection method: clinical testing. Allele origin: germline. Affected: yes. Study: VKGL Data-share Consensus. Not counted in ClinVar's aggregate classification.

Literature cited by the submitters: PubMed 16199547 (cited by Labcorp Genetics (formerly Invitae), Labcorp); PubMed 10712197 (cited by Labcorp Genetics (formerly Invitae), Labcorp); PubMed 23913538 (cited by Labcorp Genetics (formerly Invitae), Labcorp); PubMed 7633431 (cited by Labcorp Genetics (formerly Invitae), Labcorp); PubMed 29498099 (cited by Labcorp Genetics (formerly Invitae), Labcorp).